The following is an entry in ClinVar:

NM_000435.3(NOTCH3):c.3628C>T (p.Arg1210Cys)

Gene: NOTCH3 (notch receptor 3; minus strand). Cytogenetic location: 19p13.12.
Variant type: single nucleotide variant.
Coding change: c.3628C>T on transcript NM_000435.3 (MANE Select); coding-DNA position 3628, C replaced by T.
Protein change: p.Arg1210Cys; replaces arginine 1210 with cysteine.
Molecular consequence: missense variant.
Genome position (GRCh38, 1-based): chr19:15,179,115, G>A on the plus strand (C>T on the coding strand, the complement: NOTCH3 is on the minus strand). VCF-style: chr19-15179115-G-A. GRCh37 (hg19) VCF-style: chr19-15289926-G-A.
Other names: short protein forms R1210C.
Identifiers: ClinVar variation 1807385 (VCV001807385.2), dbSNP rs758961316, ClinGen allele CA9263034.

ClinVar aggregate classification (germline): Conflicting classifications of pathogenicity. Review status: criteria provided, conflicting classifications (1 of 4 stars). 2 submissions from 2 submitters: Pathogenic (1); Uncertain significance (1). Last evaluated 2024-05-29.

Allele frequency attached by ClinVar (database versions not stated): ExAC 0.00001.
gnomAD v4.1: 5 of 1,614,182 alleles (0.00031%); highest among the groups gnomAD compares: South Asian, 0.0011%; no homozygotes.

Submissions (2):

Blueprint Genetics
Classification: Uncertain significance. Last evaluated: 2024-05-29. Review status: criteria provided, single submitter. Criteria: ACMG Guidelines, 2015. Collection method: clinical testing. Allele origin: germline.

Athena Diagnostics
Classification: Pathogenic. Last evaluated: 2022-03-22. Review status: criteria provided, single submitter. Criteria: Athena Diagnostics Criteria. Collection method: clinical testing. Allele origin: unknown.
Comment: The frequency of this variant in the general population is consistent with pathogenicity. This variant has been identified in at least one individual with clinical features associated with this gene. This variant alters a critical location within the protein, and is expected to severely affect function and cause disease. Greater than 90% of pathogenic variants identified in NOTCH3 involve the gain or loss of a cysteine residue within the epidermal growth factor (EGF)-like repeat domain.

Literature cited by the submitters: PubMed 27844030 (cited by Athena Diagnostics).